The following is an entry in ClinVar:

NM_001148.6(ANK2):c.1881+5G>A

Gene: ANK2 (ankyrin 2; plus strand). Cytogenetic location: 4q26.
Variant type: single nucleotide variant.
Coding change: c.1881+5G>A on transcript NM_001148.6 (MANE Select); 5 bases into the intron after coding-DNA position 1881, G replaced by A.
Molecular consequence: intron variant.
Genome position (GRCh38, 1-based): chr4:113,278,563, G>A. VCF-style: chr4-113278563-G-A. GRCh37 (hg19) VCF-style: chr4-114199719-G-A.
Other names: c.1869+5G>A (NM_001386186.2, NM_001386148.2); c.1671+5G>A (NM_001354269.3); c.1845+5G>A (NM_001386187.2); c.1839+5G>A (NM_001386147.1, NM_001386160.1, NM_001354261.2); c.1818+5G>A (NM_001354254.2, NM_001354239.2, NM_001354252.2 and 10 more transcripts); c.1719+628G>A (NM_001354253.2, NM_001354270.2, NM_001354257.2 and 1 more transcripts); c.1794+5G>A (NM_001354249.2, NM_001354266.2, NM_001354276.2 and 10 more transcripts); c.1695+628G>A (NM_001386151.1, NM_001354260.2, NM_001354271.2); and 8 more.
Identifiers: ClinVar variation 4725623 (VCV004725623.1).

ClinVar aggregate classification (germline): Uncertain significance (1 of 4 stars; one submission).

Conditions:
Long QT syndrome (LQTS). Identifiers: MedGen C0023976, MeSH D008133, MONDO:0002442. Disease mechanism: loss of function. Inheritance: Various modes of inheritance.

gnomAD v4.1: 8 of 1,613,330 alleles (0.0005%); highest among the groups gnomAD compares: Non-Finnish European, 0.00068%; no homozygotes.

Submission:

Labcorp Genetics (formerly Invitae), Labcorp
Classification: Uncertain significance for Long QT syndrome. Last evaluated: 2025-03-02. Review status: criteria provided, single submitter. Criteria: Invitae Variant Classification Sherloc (09022015). Collection method: clinical testing. Allele origin: germline.
Comment: This sequence change falls in intron 17 of the ANK2 gene. It does not directly change the encoded amino acid sequence of the ANK2 protein. It affects a nucleotide within the consensus splice site. This variant is present in population databases (no rsID available, gnomAD 0.007%). This variant has not been reported in the literature in individuals affected with ANK2-related conditions. Variants that disrupt the consensus splice site are a relatively common cause of aberrant splicing (PMID: 17576681, 9536098). Algorithms developed to predict the effect of sequence changes on RNA splicing suggest that this variant may disrupt the consensus splice site. In summary, the available evidence is currently insufficient to determine the role of this variant in disease. Therefore, it has been classified as a Variant of Uncertain Significance.

Literature cited by the submitters: PubMed 17576681; PubMed 9536098.